The following is an entry in ClinVar:

NM_001041.4(SI):c.4441G>A (p.Val1481Ile)

Gene: SI (sucrase-isomaltase; minus strand). Cytogenetic location: 3q26.1.
Variant type: single nucleotide variant.
Coding change: c.4441G>A on transcript NM_001041.4 (MANE Select); coding-DNA position 4441, G replaced by A.
Protein change: p.Val1481Ile; replaces valine 1481 with isoleucine.
Molecular consequence: missense variant.
Genome position (GRCh38, 1-based): chr3:164,998,639, C>T on the plus strand (G>A on the coding strand, the complement: SI is on the minus strand). VCF-style: chr3-164998639-C-T. GRCh37 (hg19) VCF-style: chr3-164716427-C-T.
Other names: short protein forms V1481I.
Identifiers: ClinVar variation 1470430 (VCV001470430.8), dbSNP rs753419870, ClinGen allele CA355030855.

ClinVar aggregate classification (germline): Uncertain significance (1 of 4 stars; one submission).

Submission:

Labcorp Genetics (formerly Invitae), Labcorp
Classification: Uncertain significance. Last evaluated: 2021-04-03. Review status: criteria provided, single submitter. Criteria: Invitae Variant Classification Sherloc (09022015). Collection method: clinical testing. Allele origin: germline.
Comment: This variant has not been reported in the literature in individuals with SI-related conditions. In summary, the available evidence is currently insufficient to determine the role of this variant in disease. Therefore, it has been classified as a Variant of Uncertain Significance. Algorithms developed to predict the effect of missense changes on protein structure and function output the following: SIFT: "Tolerated"; PolyPhen-2: "Benign"; Align-GVGD: "Class C0". The isoleucine amino acid residue is found in multiple mammalian species, suggesting that this missense change does not adversely affect protein function. These predictions have not been confirmed by published functional studies and their clinical significance is uncertain. This variant is not present in population databases (ExAC no frequency). This sequence change replaces valine with isoleucine at codon 1481 of the SI protein (p.Val1481Ile). The valine residue is highly conserved and there is a small physicochemical difference between valine and isoleucine.